The following is an entry in ClinVar:

NM_052947.4(ALPK2):c.4388G>A (p.Ser1463Asn)

Genes: ALPK2 (alpha kinase 2; minus strand), LOC126862764 (BRD4-independent group 4 enhancer GRCh37_chr18:56202574-56203773; plus strand). Cytogenetic location: 18q21.31.
Variant type: single nucleotide variant.
Coding change: c.4388G>A on transcript NM_052947.4 (MANE Select); coding-DNA position 4388, G replaced by A.
Protein change: p.Ser1463Asn; replaces serine 1463 with asparagine.
Molecular consequence: missense variant.
Genome position (GRCh38, 1-based): chr18:58,535,799, C>T on the plus strand (G>A on the coding strand, the complement: ALPK2 is on the minus strand). VCF-style: chr18-58535799-C-T. GRCh37 (hg19) VCF-style: chr18-56203031-C-T.
Other names: short protein forms S1463N.
Identifiers: ClinVar variation 3530517 (VCV003530517.1).

ClinVar aggregate classification (germline): Uncertain significance (1 of 4 stars; one submission).

gnomAD v4.1: 3 of 1,614,140 alleles (0.00019%); highest among the groups gnomAD compares: African/African-American, 0.0013%; no homozygotes.

Submission:

Ambry Genetics
Classification: Uncertain significance. Last evaluated: 2024-06-25. Review status: criteria provided, single submitter. Criteria: Ambry Variant Classification Scheme 2023. Collection method: clinical testing. Allele origin: germline.
Comment: The p.S1463N variant (also known as c.4388G>A), located in coding exon 4 of the ALPK2 gene, results from a G to A substitution at nucleotide position 4388. The serine at codon 1463 is replaced by asparagine, an amino acid with highly similar properties. This amino acid position is conserved. In addition, this alteration is predicted to be tolerated by in silico analysis. Based on the available evidence, the clinical significance of this variant remains unclear.